The following is an entry in ClinVar:

ClinVar aggregate classification (germline): Uncertain significance. Review status: criteria provided, multiple submitters, no conflicts (2 of 4 stars). 5 submissions from 5 submitters: Uncertain significance (5). Last evaluated 2025-11-17.

Conditions:
Retinal dystrophy. Also called: Inherited retinal dystrophy. Identifiers: Orphanet 71862, MedGen C0854723, MeSH D058499, MONDO:0019118, HP:0000556.
Retinitis pigmentosa (RP). Identifiers: Orphanet 791, MedGen C0035334, MeSH D012174, MONDO:0019200, OMIM 268000. Inheritance: Autosomal dominant, autosomal recessive and X linked inheritance.

Allele frequency attached by ClinVar (database versions not stated): gnomAD 0.00003 and 0.00004; TOPMed 0.00005; ESP Exome Variant Server 0.00015.

Submissions (5):

Labcorp Genetics (formerly Invitae), Labcorp
Classification: Uncertain significance. Last evaluated: 2025-11-17. Review status: criteria provided, single submitter. Criteria: Invitae Variant Classification Sherloc (09022015). Collection method: clinical testing. Allele origin: germline.
Comment: This sequence change replaces arginine, which is basic and polar, with glutamine, which is neutral and polar, at codon 247 of the ZNF513 protein (p.Arg247Gln). This variant is present in population databases (rs139008988, gnomAD 0.002%). This variant has not been reported in the literature in individuals affected with ZNF513-related conditions. ClinVar contains an entry for this variant (Variation ID: 335556). An algorithm developed to predict the effect of missense changes on protein structure and function (PolyPhen-2) suggests that this variant is likely to be tolerated. In summary, the available evidence is currently insufficient to determine the role of this variant in disease. Therefore, it has been classified as a Variant of Uncertain Significance.

Ambry Genetics
Classification: Uncertain significance. Last evaluated: 2024-10-07. Review status: criteria provided, single submitter. Criteria: Ambry Variant Classification Scheme 2023. Collection method: clinical testing. Allele origin: germline.

Dept Of Ophthalmology, Nagoya University
Classification: Uncertain significance for Retinal dystrophy. Last evaluated: 2023-10-01. Review status: criteria provided, single submitter. Criteria: Submitter's publication. Collection method: research. Allele origin: germline. Affected: yes.

Illumina Laboratory Services, Illumina
Classification: Uncertain significance for Retinitis pigmentosa. Last evaluated: 2018-01-13. Review status: criteria provided, single submitter. Criteria: ICSL Variant Classification Criteria 13 December 2019. Collection method: clinical testing. Allele origin: germline.

Breakthrough Genomics
Classification: Uncertain significance. Review status: criteria provided, single submitter. Criteria: ACMG Guidelines, 2015. Collection method: not provided. Allele origin: germline. Inheritance: Autosomal recessive inheritance. Affected: yes.

NM_144631.6(ZNF513):c.740G>A (p.Arg247Gln)

Gene: ZNF513 (zinc finger protein 513; minus strand). Cytogenetic location: 2p23.3.
Variant type: single nucleotide variant.
Coding change: c.740G>A on transcript NM_144631.6 (MANE Select); coding-DNA position 740, G replaced by A.
Protein change: p.Arg247Gln; replaces arginine 247 with glutamine.
Molecular consequence: missense variant.
Genome position (GRCh38, 1-based): chr2:27,378,526, C>T on the plus strand (G>A on the coding strand, the complement: ZNF513 is on the minus strand). VCF-style: chr2-27378526-C-T. GRCh37 (hg19) VCF-style: chr2-27601393-C-T.
Other names: c.554G>A, p.Arg185Gln (NM_001201459.2); short protein forms R247Q, R185Q.
Identifiers: ClinVar variation 335556 (VCV000335556.16), dbSNP rs139008988, ClinGen allele CA1577981.